The following is an entry in ClinVar:

ClinVar aggregate classification (germline): Uncertain significance. Review status: criteria provided, multiple submitters, no conflicts (2 of 4 stars). 2 submissions from 2 submitters: Uncertain significance (2). Last evaluated 2026-01-16.

Conditions:
Cardiovascular phenotype. Identifiers: MedGen CN230736.
Hypertrophic cardiomyopathy 26. Also called: Cardiomyopathy, familial hypertrophic, 26. Identifiers: Orphanet 75249, MedGen C4310749, MONDO:0014883, OMIM 617047.
Distal myopathy with posterior leg and anterior hand involvement. Also called: WILLIAMS DISTAL MYOPATHY. Identifiers: Orphanet 63273, MedGen C3279722, MONDO:0013550, OMIM 614065.
Myofibrillar myopathy 5. Also called: FILAMINOPATHY, AUTOSOMAL DOMINANT; Filaminopathy (type). Identifiers: Orphanet 171445, MedGen C1836050, MONDO:0012289, OMIM 609524.

Submissions (2):

Ambry Genetics
Classification: Uncertain significance for Cardiovascular phenotype. Last evaluated: 2026-01-16. Review status: criteria provided, single submitter. Criteria: Ambry Variant Classification Scheme 2023. Collection method: clinical testing. Allele origin: germline.
Comment: The c.8103_8104delAG variant, located in coding exon 48 of the FLNC gene, results from a deletion of two nucleotides at nucleotide positions 8103 to 8104, causing a translational frameshift with a predicted alternate stop codon (p.D2703Lfs*9). This variant occurs at the 3' terminus of the gene, is not expected to trigger nonsense-mediated mRNAdecay, and impacts the last 23 amino acids of the protein. The exact functional effect of this variant is unknown. This variant was reported in individual(s) with features consistent with cardiomyopathy (Ader F et al. Med Sci (Paris), 2018 Nov;34 Hors s&eacute;rie n&deg;2:39-41). Based on the available evidence, the clinical significance of this variant remains unclear.

Labcorp Genetics (formerly Invitae), Labcorp
Classification: Uncertain significance for Distal myopathy with posterior leg and anterior hand involvement; Myofibrillar myopathy 5; Hypertrophic cardiomyopathy 26. Last evaluated: 2025-10-24. Review status: criteria provided, single submitter. Criteria: Invitae Variant Classification Sherloc (09022015). Collection method: clinical testing. Allele origin: germline.
Comment: This sequence change creates a premature translational stop signal (p.Asp2703Leufs*9) in the FLNC gene. While this is not anticipated to result in nonsense mediated decay, it is expected to disrupt the last 23 amino acid(s) of the FLNC protein. This variant is not present in population databases (gnomAD no frequency). This variant has not been reported in the literature in individuals affected with FLNC-related conditions. ClinVar contains an entry for this variant (Variation ID: 2952298). In summary, the available evidence is currently insufficient to determine the role of this variant in disease. Therefore, it has been classified as a Variant of Uncertain Significance.

Literature cited by the submitters: PubMed 30418145 (cited by Ambry Genetics).

NM_001458.5(FLNC):c.8103_8104del (p.Asp2703fs)

Genes: FLNC (filamin C; plus strand), FLNC-AS1 (FLNC antisense RNA 1; minus strand). Cytogenetic location: 7q32.1.
Variant type: Deletion.
Coding change: c.8103_8104del on transcript NM_001458.5 (MANE Select); coding-DNA positions 8103 to 8104, 2 bases deleted (AG; older notation c.8103_8104delAG).
Protein change: p.Asp2703fs; shifts the reading frame from aspartic acid 2703.
Molecular consequence: frameshift variant.
Genome position (GRCh38, 1-based): chr7:128,858,448-128,858,449, AG deleted. VCF-style (leftmost placement, unchanged base first): chr7-128858447-AAG-A. GRCh37 (hg19) VCF-style: chr7-128498501-AAG-A.
Other names: c.8004_8005del, p.Asp2670fs (NM_001127487.2); short protein forms D2703fs, D2670fs.
Identifiers: ClinVar variation 2952298 (VCV002952298.4), dbSNP rs2536673871, ClinGen allele CA2740094870.